The following is an entry in ClinVar:

NM_006885.4(ZFHX3):c.10801_10822dup (p.Ala3608fs)

Genes: ZFHX3 (zinc finger homeobox 3; minus strand), ZFHX3-AS1 (ZFHX3 antisense RNA 1; plus strand). Cytogenetic location: 16q22.2.
Variant type: Duplication.
Coding change: c.10801_10822dup on transcript NM_006885.4 (MANE Select); coding-DNA positions 10801 to 10822, 22 bases duplicated (TCGGCCGCCGCCCCCTCCTCCG).
Protein change: p.Ala3608fs; shifts the reading frame from alanine 3608.
Molecular consequence: frameshift variant. On other transcripts: non-coding transcript variant (1).
Genome position (GRCh38, 1-based): chr16:72,787,454-72,787,475, CGGAGGAGGGGGCGGCGGCCGA duplicated on the plus strand (TCGGCCGCCGCCCCCTCCTCCG on the coding strand, the reverse complement: ZFHX3 is on the minus strand); duplicating any 22 consecutive bases within chr16:72,787,454-72,787,478 gives the same sequence; the c. name uses the placement nearest the transcript's 3' end. VCF-style (leftmost placement, unchanged base first): chr16-72787453-G-GCGGAGGAGGGGGCGGCGGCCGA. GRCh37 (hg19) VCF-style: chr16-72821352-G-GCGGAGGAGGGGGCGGCGGCCGA.
Other names: c.8059_8080dup, p.Ala2694fs (NM_001164766.2); c.10801_10822dup, p.Ala3608fs (NM_001386735.1); short protein forms A2694fs, A3608fs.
Identifiers: ClinVar variation 4281814 (VCV004281814.1).

ClinVar aggregate classification (germline): Uncertain significance (1 of 4 stars; one submission).

Submission:

GeneDx
Classification: Uncertain significance. Last evaluated: 2025-04-10. Review status: criteria provided, single submitter. Criteria: GeneDx Variant Classification Process June 2021. Collection method: clinical testing. Allele origin: germline. Affected: yes.
Comment: Not observed at significant frequency in large population cohorts (gnomAD); Frameshift variant predicted to result in abnormal protein length as the last 96 amino acid(s) are replaced with 64 different amino acid(s); Has not been previously published as pathogenic or benign to our knowledge